The following is an entry in ClinVar:

NM_000041.4(APOE):c.733G>T (p.Asp245Tyr)

Gene: APOE (apolipoprotein E; plus strand). Cytogenetic location: 19q13.32.
Variant type: single nucleotide variant.
Coding change: c.733G>T on transcript NM_000041.4 (MANE Select); coding-DNA position 733, G replaced by T.
Protein change: p.Asp245Tyr; replaces aspartic acid 245 with tyrosine.
Molecular consequence: missense variant.
Genome position (GRCh38, 1-based): chr19:44,909,029, G>T. VCF-style: chr19-44909029-G-T. GRCh37 (hg19) VCF-style: chr19-45412286-G-T.
Other names: c.811G>T, p.Asp271Tyr (NM_001302688.2); c.733G>T, p.Asp245Tyr (NM_001302689.2, NM_001302690.2, NM_001302691.2); short protein forms D271Y, D245Y.
Identifiers: ClinVar variation 3308526 (VCV003308526.1).

ClinVar aggregate classification (germline): Uncertain significance (1 of 4 stars; one submission).

Conditions:
Cardiovascular phenotype. Identifiers: MedGen CN230736.

Submission:

Ambry Genetics
Classification: Uncertain significance for Cardiovascular phenotype. Last evaluated: 2024-04-19. Review status: criteria provided, single submitter. Criteria: Ambry Variant Classification Scheme 2023. Collection method: clinical testing. Allele origin: germline.
Comment: The p.D245Y variant (also known as c.733G>T), located in coding exon 3 of the APOE gene, results from a G to T substitution at nucleotide position 733. The aspartic acid at codon 245 is replaced by tyrosine, an amino acid with highly dissimilar properties. This amino acid position is conserved. In addition, this alteration is predicted to be tolerated by in silico analysis. Based on the available evidence, the clinical significance of this variant remains unclear.